The following is an entry in ClinVar:

ClinVar aggregate classification (germline): Uncertain significance (1 of 4 stars; one submission).

Conditions:
Dyskeratosis congenita, autosomal dominant 1 (DKCA1). Also called: Dyskeratosis congenita Scoggins type. Identifiers: Orphanet 1775, MedGen C4551974, MONDO:0007485, OMIM 127550. Inheritance: Variable.

Allele frequency attached by ClinVar (database versions not stated): 1000 Genomes Project 30x 0.00016.

Submission:

Labcorp Genetics (formerly Invitae), Labcorp
Classification: Uncertain significance for Dyskeratosis congenita, autosomal dominant 1. Last evaluated: 2023-01-17. Review status: criteria provided, single submitter. Criteria: Invitae Variant Classification Sherloc (09022015). Collection method: clinical testing. Allele origin: germline.
Comment: This variant occurs in the TERC gene, which encodes an RNA molecule that does not result in a protein product. This variant is not present in population databases (gnomAD no frequency). This variant has not been reported in the literature in individuals affected with TERC-related conditions. This variant is located within the template/pseudoknot domain of the TERC RNA component, which is required for RNA or RNP stability (PMID: 15082312, 21844345). This variant is located in a region of TERC in which a significant number of disease causing variants have been reported (PMID: 15082312, 21844345, 21931702). These observations suggest that this may be a clinically significant region. In summary, the available evidence is currently insufficient to determine the role of this variant in disease. Therefore, it has been classified as a Variant of Uncertain Significance.

Literature cited by the submitters: PubMed 15082312; PubMed 21844345; PubMed 21931702.

NC_000003.12:g.169765016A>C

Genes: TERC (telomerase RNA component; minus strand), LOC110806306 (telomerase RNA component (TERC) promoter; plus strand). Cytogenetic location: 3q26.2.
Variant type: single nucleotide variant.
Genome position: GRCh38 VCF-style: chr3-169765016-A-C. GRCh37 (hg19) VCF-style: chr3-169482804-A-C.
Identifiers: ClinVar variation 2829379 (VCV002829379.3), dbSNP rs2108183387, ClinGen allele CA436715965.